The following is an entry in ClinVar:

ClinVar aggregate classification (germline): Uncertain significance (1 of 4 stars; one submission).

Submission:

Labcorp Genetics (formerly Invitae), Labcorp
Classification: Uncertain significance. Last evaluated: 2023-05-11. Review status: criteria provided, single submitter. Criteria: Invitae Variant Classification Sherloc (09022015). Collection method: clinical testing. Allele origin: germline.
Comment: This sequence change replaces glutamine, which is neutral and polar, with histidine, which is basic and polar, at codon 344 of the THBD protein (p.Gln344His). In summary, the available evidence is currently insufficient to determine the role of this variant in disease. Therefore, it has been classified as a Variant of Uncertain Significance. Advanced modeling of protein sequence and biophysical properties (such as structural, functional, and spatial information, amino acid conservation, physicochemical variation, residue mobility, and thermodynamic stability) performed at Invitae indicates that this missense variant is not expected to disrupt THBD protein function. This variant has not been reported in the literature in individuals affected with THBD-related conditions. This variant is not present in population databases (gnomAD no frequency).

NM_000361.3(THBD):c.1032G>C (p.Gln344His)

Gene: THBD (thrombomodulin; minus strand). Cytogenetic location: 20p11.21.
Variant type: single nucleotide variant.
Coding change: c.1032G>C on transcript NM_000361.3 (MANE Select); coding-DNA position 1032, G replaced by C.
Protein change: p.Gln344His; replaces glutamine 344 with histidine.
Molecular consequence: missense variant.
Genome position (GRCh38, 1-based): chr20:23,048,473, C>G on the plus strand (G>C on the coding strand, the complement: THBD is on the minus strand). VCF-style: chr20-23048473-C-G. GRCh37 (hg19) VCF-style: chr20-23029110-C-G.
Other names: short protein forms Q344H.
Identifiers: ClinVar variation 2809320 (VCV002809320.3), dbSNP rs754916981, ClinGen allele CA408406425.